The following is an entry in ClinVar:

ClinVar aggregate classification (germline): Conflicting classifications of pathogenicity. Review status: criteria provided, conflicting classifications (1 of 4 stars). 3 submissions from 3 submitters: Uncertain significance (2); Likely benign (1). Last evaluated 2026-06-30.

Conditions:
FAT1-related disorder. Also called: FAT1-related condition.

Allele frequency attached by ClinVar (database versions not stated): gnomAD exomes 0.00006; ExAC 0.00015; 1000 Genomes Project 0.00020; ESP Exome Variant Server 0.00025; 1000 Genomes Project 30x 0.00031; gnomAD 0.00051; TOPMed 0.00051.
gnomAD v4.1: 174 of 1,613,928 alleles (0.011%); highest among the groups gnomAD compares: African/African-American, 0.17%; no homozygotes.

Submissions (4):

PreventionGenetics, part of Exact Sciences
Classification: Likely benign for FAT1-related condition. Last evaluated: 2026-06-30. Review status: criteria provided, single submitter. Criteria: ACMG Guidelines, 2015. Collection method: clinical testing. Allele origin: germline.
Comment: This variant is classified as likely benign based on ACMG/AMP sequence variant interpretation guidelines (Richards et al. 2015 PMID: 25741868, with internal and published modifications).

GeneDx
Classification: Uncertain significance. Last evaluated: 2026-03-03. Review status: criteria provided, single submitter. Criteria: GeneDx Variant Classification Process June 2021. Collection method: clinical testing. Allele origin: germline.
Comment: In silico analysis supports that this missense variant has a deleterious effect on protein structure/function; Has not been previously published as pathogenic or benign to our knowledge

Labcorp Genetics (formerly Invitae), Labcorp
Classification: Uncertain significance. Last evaluated: 2023-09-04. Review status: criteria provided, single submitter. Criteria: Invitae Variant Classification Sherloc (09022015). Collection method: clinical testing. Allele origin: germline.
Comment: This sequence change replaces asparagine, which is neutral and polar, with serine, which is neutral and polar, at codon 710 of the FAT1 protein (p.Asn710Ser). This variant is present in population databases (rs370215067, gnomAD 0.2%). This variant has not been reported in the literature in individuals affected with FAT1-related conditions. ClinVar contains an entry for this variant (Variation ID: 2046502). Advanced modeling of protein sequence and biophysical properties (such as structural, functional, and spatial information, amino acid conservation, physicochemical variation, residue mobility, and thermodynamic stability) performed at Invitae indicates that this missense variant is expected to disrupt FAT1 protein function. In summary, the available evidence is currently insufficient to determine the role of this variant in disease. Therefore, it has been classified as a Variant of Uncertain Significance.

Dr. Peter K. Rogan Lab, Western University
No classification provided (evidence only). Condition: Cervical cancer. Review status: no classification provided. Collection method: in vitro. Allele origin: not applicable. Functional consequence: retained intron. Not counted in ClinVar's aggregate classification.

NM_005245.4(FAT1):c.2129A>G (p.Asn710Ser)

Gene: FAT1 (FAT atypical cadherin 1; minus strand). Cytogenetic location: 4q35.2.
Variant type: single nucleotide variant.
Coding change: c.2129A>G on transcript NM_005245.4 (MANE Select); coding-DNA position 2129, A replaced by G.
Protein change: p.Asn710Ser; replaces asparagine 710 with serine.
Molecular consequence: missense variant.
Genome position (GRCh38, 1-based): chr4:186,707,699, T>C on the plus strand (A>G on the coding strand, the complement: FAT1 is on the minus strand). VCF-style: chr4-186707699-T-C. GRCh37 (hg19) VCF-style: chr4-187628853-T-C.
Other names: c.2129A>G (NM_005245.3); short protein forms N710S.
Identifiers: ClinVar variation 2046502 (VCV002046502.5), dbSNP rs370215067, ClinGen allele CA3167319.